The following is an entry in ClinVar:

ClinVar aggregate classification (germline): Uncertain significance. Review status: criteria provided, multiple submitters, no conflicts (2 of 4 stars). 2 submissions from 2 submitters: Uncertain significance (2). Last evaluated 2024-01-14.

Conditions:
Hereditary cancer-predisposing syndrome. Also called: Neoplastic Syndromes, Hereditary; Tumor predisposition; Hereditary Cancer Syndrome; Hereditary neoplastic syndrome. Identifiers: Orphanet 140162, MedGen C0027672, MeSH D009386, MONDO:0015356.
Ataxia-telangiectasia syndrome (AT). Also called: Ataxia telangiectasia (A-T); ATAXIA-TELANGIECTASIA, COMPLEMENTATION GROUP A; ATAXIA-TELANGIECTASIA, FRESNO VARIANT; Ataxia-telangiectasia; Ataxia-telangiectasia, complementation group E; LOUIS-BAR SYNDROME. Identifiers: Orphanet 100, MedGen C0004135, MONDO:0008840, OMIM 208900.

Allele frequency attached by ClinVar (database versions not stated): gnomAD exomes below 0.00001.
gnomAD v4.1: 1 of 1,612,890 alleles (0.000062%); highest among the groups gnomAD compares: African/African-American, 0.0013%; no homozygotes.

Submissions (2):

Ambry Genetics
Classification: Uncertain significance for Hereditary cancer-predisposing syndrome. Last evaluated: 2024-01-14. Review status: criteria provided, single submitter. Criteria: Ambry Variant Classification Scheme 2023. Collection method: clinical testing. Allele origin: germline.
Comment: The p.R2748K variant (also known as c.8243G>A), located in coding exon 55 of the ATM gene, results from a G to A substitution at nucleotide position 8243. The arginine at codon 2748 is replaced by lysine, an amino acid with highly similar properties. This amino acid position is conserved. In addition, this alteration is predicted to be deleterious by in silico analysis. Since supporting evidence is limited at this time, the clinical significance of this alteration remains unclear.

Labcorp Genetics (formerly Invitae), Labcorp
Classification: Uncertain significance for Ataxia-telangiectasia syndrome. Last evaluated: 2023-09-08. Review status: criteria provided, single submitter. Criteria: Invitae Variant Classification Sherloc (09022015). Collection method: clinical testing. Allele origin: germline.
Comment: ClinVar contains an entry for this variant (Variation ID: 1022224). This variant has not been reported in the literature in individuals affected with ATM-related conditions. This variant is not present in population databases (gnomAD no frequency). This sequence change replaces arginine, which is basic and polar, with lysine, which is basic and polar, at codon 2748 of the ATM protein (p.Arg2748Lys). An algorithm developed to predict the effect of missense changes on protein structure and function (PolyPhen-2) suggests that this variant is likely to be disruptive. In summary, the available evidence is currently insufficient to determine the role of this variant in disease. Therefore, it has been classified as a Variant of Uncertain Significance.

NM_000051.4(ATM):c.8243G>A (p.Arg2748Lys)

Genes: ATM (ATM serine/threonine kinase; plus strand), C11orf65 (chromosome 11 open reading frame 65; minus strand). Cytogenetic location: 11q22.3.
Variant type: single nucleotide variant.
Coding change: c.8243G>A on transcript NM_000051.4 (MANE Select); coding-DNA position 8243, G replaced by A.
Protein change: p.Arg2748Lys; replaces arginine 2748 with lysine.
Molecular consequence: missense variant. On other transcripts: intron variant (2).
Genome position (GRCh38, 1-based): chr11:108,335,936, G>A. VCF-style: chr11-108335936-G-A. GRCh37 (hg19) VCF-style: chr11-108206663-G-A.
Other names: c.8243G>A, p.Arg2748Lys (NM_001351834.2); c.641-26865C>T (NM_001330368.2); c.695-644C>T (NM_001351110.2); short protein forms R2748K.
Identifiers: ClinVar variation 1022224 (VCV001022224.10), dbSNP rs75305387, ClinGen allele CA382562651.
Genomic context (GRCh38, chr11:108,335,936, plus strand): 5'-TGCAACAGGTCTTCCAGATGTGTAATACATTACTGCAGAGAAACACGGAAACTAGGAAGA[G>A]GAAATTAACTATCTGTACTTATAAGGTAACTATTTGTACTTCTGTTAGTTCACCAAAAAC-3'
Protein context (NP_000042.3, residues 2738-2758): LLQRNTETRK[Arg2748Lys]KLTICTYKVV